The following is an entry in ClinVar:

NM_004370.6(COL12A1):c.4703G>A (p.Arg1568Lys)

Gene: COL12A1 (collagen type XII alpha 1 chain; minus strand). Cytogenetic location: 6q13.
Variant type: single nucleotide variant.
Coding change: c.4703G>A on transcript NM_004370.6 (MANE Select); coding-DNA position 4703, G replaced by A.
Protein change: p.Arg1568Lys; replaces arginine 1568 with lysine.
Molecular consequence: missense variant.
Genome position (GRCh38, 1-based): chr6:75,143,376, C>T on the plus strand (G>A on the coding strand, the complement: COL12A1 is on the minus strand). VCF-style: chr6-75143376-C-T. GRCh37 (hg19) VCF-style: chr6-75853092-C-T.
Other names: c.4430G>A, p.Arg1477Lys (NM_001424115.1); c.1211G>A, p.Arg404Lys (NM_001424116.1, NM_080645.3); c.4703G>A, p.Arg1568Lys (NM_001424113.1, NM_001424114.1); short protein forms R1477K, R1568K, R404K.
Identifiers: ClinVar variation 3372701 (VCV003372701.1).
Genomic context (GRCh38, chr6:75,143,376, plus strand): 5'-GGTTCCCAAAAGACATTCATAGTGCTGTGAGTCACATCTCTGAGTTTCAGATCCTGAGGT[C>T]TGGGTAAAGGCACTAGAGAAGCACGAGATATTAAATCCAGATGTGCTTCTCAACCACAAA-3'
Protein context (NP_004361.3, residues 1558-1578): TVREVTLPLP[Arg1568Lys]PQDLKLRDVT

ClinVar aggregate classification (germline): Uncertain significance (1 of 4 stars; one submission).

Submission:

GeneDx
Classification: Uncertain significance. Last evaluated: 2024-04-17. Review status: criteria provided, single submitter. Criteria: GeneDx Variant Classification Process June 2021. Collection method: clinical testing. Allele origin: germline. Affected: yes.
Comment: Has not been previously published as pathogenic or benign to our knowledge; Not observed at significant frequency in large population cohorts (gnomAD); In silico analysis indicates that this missense variant does not alter protein structure/function